The following is an entry in ClinVar:

NM_004006.3(DMD):c.3998G>A (p.Gly1333Asp)

Gene: DMD (dystrophin; minus strand). Cytogenetic location: Xp21.1.
Variant type: single nucleotide variant.
Coding change: c.3998G>A on transcript NM_004006.3 (MANE Select); coding-DNA position 3998, G replaced by A.
Protein change: p.Gly1333Asp; replaces glycine 1333 with aspartic acid.
Molecular consequence: missense variant.
Genome position (GRCh38, 1-based): chrX:32,438,314, C>T on the plus strand (G>A on the coding strand, the complement: DMD is on the minus strand). VCF-style: chrX-32438314-C-T. GRCh37 (hg19) VCF-style: chrX-32456431-C-T.
Other names: c.3974G>A, p.Gly1325Asp (NM_000109.4); c.3986G>A, p.Gly1329Asp (NM_004009.3); c.3629G>A, p.Gly1210Asp (NM_004010.3); short protein forms G1329D, G1210D, G1325D, G1333D.
Identifiers: ClinVar variation 1038268 (VCV001038268.10), dbSNP rs2098269163, ClinGen allele CA412669360.

ClinVar aggregate classification (germline): Uncertain significance. Review status: criteria provided, single submitter (1 of 4 stars). 2 submissions from 2 submitters: Uncertain significance (1). 1 of the submissions does not count toward it. Last evaluated 2020-07-27.

Conditions:
Cardiomyopathy (CMYO). Also called: Cardiomyopathies. Identifiers: Orphanet 167848, MedGen C0878544, MONDO:0004994, HP:0001638. Inheritance: Various modes of inheritance.
Dystrophin deficiency.
Duchenne muscular dystrophy (DMD). Also called: MUSCULAR DYSTROPHY, PSEUDOHYPERTROPHIC PROGRESSIVE, DUCHENNE TYPE; Duchenne Muscular Dystrophy (DMD). Identifiers: Orphanet 98896, MedGen C0013264, MONDO:0010679, OMIM 310200.
Becker muscular dystrophy (BMD). Also called: Becker Muscular Dystrophy (BMD); MUSCULAR DYSTROPHY, PSEUDOHYPERTROPHIC PROGRESSIVE, BECKER TYPE. Identifiers: Orphanet 98895, MedGen C0917713, MONDO:0010311, OMIM 300376.

Submissions (2):

Labcorp Genetics (formerly Invitae), Labcorp
Classification: Uncertain significance for Duchenne muscular dystrophy. Last evaluated: 2020-07-27. Review status: criteria provided, single submitter. Criteria: Invitae Variant Classification Sherloc (09022015). Collection method: clinical testing. Allele origin: germline.
Comment: In summary, the available evidence is currently insufficient to determine the role of this variant in disease. Therefore, it has been classified as a Variant of Uncertain Significance. Algorithms developed to predict the effect of missense changes on protein structure and function are either unavailable or do not agree on the potential impact of this missense change (SIFT: "Tolerated"; PolyPhen-2: "Probably Damaging"; Align-GVGD: "Class C0"). This variant has not been reported in the literature in individuals with DMD-related conditions. This variant is not present in population databases (ExAC no frequency). This sequence change replaces glycine with aspartic acid at codon 1333 of the DMD protein (p.Gly1333Asp). The glycine residue is highly conserved and there is a moderate physicochemical difference between glycine and aspartic acid.

Natera, Inc.
Classification: Uncertain significance for Becker muscular dystrophy; Cardiomyopathy; Duchenne muscular dystrophy; Dystrophin deficiency. Last evaluated: 2019-01-18. Review status: no assertion criteria provided. Collection method: clinical testing. Allele origin: germline. Not counted in ClinVar's aggregate classification.